The following is an entry in ClinVar:

NM_001278559.2(ZNF316):c.1947G>A (p.Ala649=)

Gene: ZNF316 (zinc finger protein 316; plus strand). Cytogenetic location: 7p22.1.
Variant type: single nucleotide variant.
Coding change: c.1947G>A on transcript NM_001278559.2 (MANE Select); coding-DNA position 1947, G replaced by A.
Protein change: p.Ala649=; no amino-acid change (alanine 649 retained).
Molecular consequence: synonymous variant.
Genome position (GRCh38, 1-based): chr7:6,653,543, G>A. VCF-style: chr7-6653543-G-A. GRCh37 (hg19) VCF-style: chr7-6693174-G-A.
Identifiers: ClinVar variation 2657309 (VCV002657309.24), dbSNP rs1470299784, ClinGen allele CA453876415.
Genomic context (GRCh38, chr7:6,653,543, plus strand): 5'-GCGCCCGCTCCCGGCGCCCCTGGGGGGCCCGCTCTCCCTGGTGGAGGGTACCGGGCTGGC[G>A]TGCGACCCTTTCGGCGGCGGCGGGGCCGCGGGCGGCGGAGGCGGCCTGCGCGCGTTCGGG-3'
Protein context (NP_001265488.1, residues 639-659): PLSLVEGTGL[Ala649=]CDPFGGGGAA

ClinVar aggregate classification (germline): Likely benign (1 of 4 stars; one submission).

gnomAD v4.1: 5 of 1,207,264 alleles (0.00041%); highest among the groups gnomAD compares: African/African-American, 0.0016%; no homozygotes.

Submission:

CeGaT Center for Human Genetics Tuebingen
Classification: Likely benign. Last evaluated: 2022-04-01. Review status: criteria provided, single submitter. Criteria: CeGaT Center For Human Genetics Tuebingen Variant Classification Criteria Version 2. Collection method: clinical testing. Allele origin: germline. Affected: yes. Observed: 1 variant allele.
Comment: ZNF316: PM2:Supporting, BP4, BP7